The following is an entry in ClinVar:

NM_020975.6(RET):c.2722A>C (p.Arg908=)

Gene: RET (ret proto-oncogene; plus strand). Cytogenetic location: 10q11.21.
Variant type: single nucleotide variant.
Coding change: c.2722A>C on transcript NM_020975.6 (MANE Select); coding-DNA position 2722, A replaced by C.
Protein change: p.Arg908=; no amino-acid change (arginine 908 retained).
Molecular consequence: synonymous variant.
Genome position (GRCh38, 1-based): chr10:43,120,195, A>C. VCF-style: chr10-43120195-A-C. GRCh37 (hg19) VCF-style: chr10-43615643-A-C.
Other names: c.2722A>C, p.Arg908= (NM_000323.2, NM_001406743.1, NM_001406744.1 and 4 more transcripts); c.1960A>C, p.Arg654= (NM_001355216.2); c.2593A>C, p.Arg865= (NM_001406761.1, NM_001406762.1, NM_001406764.1); c.2587A>C, p.Arg863= (NM_001406763.1, NM_001406765.1); c.2434A>C, p.Arg812= (NM_001406766.1, NM_001406767.1, NM_001406770.1); c.2458A>C, p.Arg820= (NM_001406768.1); c.2326A>C, p.Arg776= (NM_001406769.1, NM_001406772.1); c.2284A>C, p.Arg762= (NM_001406771.1, NM_001406773.1); and 10 more.
Identifiers: ClinVar variation 2762067 (VCV002762067.6), dbSNP rs2538580125, ClinGen allele CA469029056.
Genomic context (GRCh38, chr10:43,120,195, plus strand): 5'-ATGAAGATTTCGGATTTCGGCTTGTCCCGAGATGTTTATGAAGAGGATTCCTACGTGAAG[A>C]GGAGCCAGGTGCCCAGTCCCGGGGATGAGGCGGGGCTCCCAGGGATCCCAGGTGCACCAT-3'
Protein context (NP_066124.1, residues 898-918): DVYEEDSYVK[Arg908=]SQGRIPVKWM

ClinVar aggregate classification (germline): Conflicting classifications of pathogenicity. Review status: criteria provided, conflicting classifications (1 of 4 stars). 4 submissions from 4 submitters: Uncertain significance (1); Benign (1); Likely benign (2). Last evaluated 2026-08-29.

Conditions:
Multiple endocrine neoplasia type 2A. Also called: MULTIPLE ENDOCRINE NEOPLASIA, TYPE IIA; PTC SYNDROME; SIPPLE SYNDROME; MEN 2A; MEN-2A syndrome; Pheochromocytoma and amyloid producing medullary thyroid carcinoma. Identifiers: Orphanet 247698, Orphanet 653, MedGen C0025268, MeSH D018813, MONDO:0008234, OMIM 171400.
Multiple endocrine neoplasia, type 2 (MEN2). Identifiers: Orphanet 653, MedGen C4048306, MONDO:0019003. Disease mechanism: gain of function.
Hereditary cancer-predisposing syndrome. Also called: Hereditary Cancer Syndrome; Hereditary neoplastic syndrome; Neoplastic Syndromes, Hereditary; Tumor predisposition. Identifiers: Orphanet 140162, MedGen C0027672, MeSH D009386, MONDO:0015356.

Submissions (4):

Ambry Genetics
Classification: Likely benign for Hereditary cancer-predisposing syndrome. Last evaluated: 2026-08-29. Review status: criteria provided, single submitter. Criteria: Ambry Variant Classification Scheme 2023. Collection method: clinical testing. Allele origin: germline.

Myriad Genetics, Inc.
Classification: Benign for Multiple endocrine neoplasia type 2A. Last evaluated: 2025-02-27. Review status: criteria provided, single submitter. Criteria: Myriad Autosomal Dominant, Autosomal Recessive and X-Linked Classification Criteria (2023). Collection method: clinical testing. Allele origin: unknown.
Comment: This variant is considered benign. This variant is a silent/synonymous amino acid change and it is not expected to impact splicing.

Labcorp Genetics (formerly Invitae), Labcorp
Classification: Likely benign for Multiple endocrine neoplasia, type 2. Last evaluated: 2024-11-04. Review status: criteria provided, single submitter. Criteria: Invitae Variant Classification Sherloc (09022015). Collection method: clinical testing. Allele origin: germline.

GeneDx
Classification: Uncertain significance. Last evaluated: 2024-01-17. Review status: criteria provided, single submitter. Criteria: GeneDx Variant Classification Process June 2021. Collection method: clinical testing. Allele origin: germline. Affected: yes.
Comment: Not observed at significant frequency in large population cohorts (gnomAD); In silico analysis supports that this variant does not alter splicing; Has not been previously published as pathogenic or benign to our knowledge